The following is an entry in ClinVar:

ClinVar aggregate classification (germline): Likely benign (0 of 4 stars; one submission).

Conditions:
VPS13B-related disorder. Also called: VPS13B-related condition.

Allele frequency attached by ClinVar (database versions not stated): 1000 Genomes Project 30x 0.00016; 1000 Genomes Project 0.00020; TOPMed 0.00036; gnomAD 0.00037.

Submission:

PreventionGenetics, part of Exact Sciences
Classification: Likely benign for VPS13B-related condition. Last evaluated: 2021-05-19. Review status: no assertion criteria provided. Collection method: clinical testing. Allele origin: germline.
Comment: This variant is classified as likely benign based on ACMG/AMP sequence variant interpretation guidelines (Richards et al. 2015 PMID: 25741868, with internal and published modifications).

NC_000008.11:g.100471156A>G

Gene: VPS13B (vacuolar protein sorting 13 homolog B; plus strand). Cytogenetic location: 8q22.2.
Variant type: single nucleotide variant.
Genome position: GRCh38 VCF-style: chr8-100471156-A-G. GRCh37 (hg19) VCF-style: chr8-101483384-A-G.
Identifiers: ClinVar variation 3030010 (VCV003030010.2), dbSNP rs541959816, ClinGen allele CA182385004.